The following is an entry in ClinVar:

NM_020937.4(FANCM):c.5948G>A (p.Ser1983Asn)

Gene: FANCM (FA complementation group M; plus strand). Cytogenetic location: 14q21.2.
Variant type: single nucleotide variant.
Coding change: c.5948G>A on transcript NM_020937.4 (MANE Select); coding-DNA position 5948, G replaced by A.
Protein change: p.Ser1983Asn; replaces serine 1983 with asparagine.
Molecular consequence: missense variant.
Genome position (GRCh38, 1-based): chr14:45,198,875, G>A. VCF-style: chr14-45198875-G-A. GRCh37 (hg19) VCF-style: chr14-45668078-G-A.
Other names: c.5870G>A, p.Ser1957Asn (NM_001308133.2); short protein forms S1957N, S1983N.
Identifiers: ClinVar variation 1691908 (VCV001691908.2), dbSNP rs2139329199, ClinGen allele CA389587515.

ClinVar aggregate classification (germline): Uncertain significance. Review status: criteria provided, multiple submitters, no conflicts (2 of 4 stars). 2 submissions from 2 submitters: Uncertain significance (2). Last evaluated 2025-04-29.

Conditions:
Inborn genetic diseases. Identifiers: MedGen C0950123, MeSH D030342.
Hereditary cancer-predisposing syndrome. Also called: Hereditary Cancer Syndrome; Hereditary neoplastic syndrome; Neoplastic Syndromes, Hereditary; Tumor predisposition. Identifiers: Orphanet 140162, MedGen C0027672, MeSH D009386, MONDO:0015356.

Allele frequency attached by ClinVar (database versions not stated): gnomAD exomes below 0.00001.
gnomAD v4.1: 1 of 1,611,654 alleles (0.000062%); highest among the groups gnomAD compares: Non-Finnish European, 0.000085%; no homozygotes.

Submissions (2):

Ambry Genetics
Classification: Uncertain significance for Inborn genetic diseases. Last evaluated: 2025-04-29. Review status: criteria provided, single submitter. Criteria: Ambry Variant Classification Scheme 2023. Collection method: clinical testing. Allele origin: germline.
Comment: The p.S1983N variant (also known as c.5948G>A), located in coding exon 22 of the FANCM gene, results from a G to A substitution at nucleotide position 5948. The serine at codon 1983 is replaced by asparagine, an amino acid with highly similar properties. This amino acid position is conserved. In addition, this alteration is predicted to be tolerated by in silico analysis. Based on the available evidence, the clinical significance of this variant remains unclear.

Sema4
Classification: Uncertain significance for Hereditary cancer-predisposing syndrome. Last evaluated: 2021-09-15. Review status: criteria provided, single submitter. Criteria: Sema4 Curation Guidelines. Collection method: curation. Allele origin: germline.
Comment: The FANCM c.5948G>A (p.S1983N) variant has not been reported in literature to our knowledge. This variant was not observed in the Genome Aggregation Database (PMID: 32461654). This variant has not been reported in ClinVar. Functional studies have not been performed, and in silico predictions of the variant's effect on protein function are inconclusive. The overall evidence is insufficient to meet ACMG/AMP criteria for classifying it as benign or pathogenic. In summary, the clinical significance of this variant is currently uncertain.